The following is an entry in ClinVar:

NM_003922.4(HERC1):c.4845T>C (p.Ser1615=)

Gene: HERC1 (HECT and RLD domain containing E3 ubiquitin protein ligase family member 1; minus strand). Cytogenetic location: 15q22.31.
Variant type: single nucleotide variant.
Coding change: c.4845T>C on transcript NM_003922.4 (MANE Select); coding-DNA position 4845, T replaced by C.
Protein change: p.Ser1615=; no amino-acid change (serine 1615 retained).
Molecular consequence: synonymous variant.
Genome position (GRCh38, 1-based): chr15:63,698,788, A>G on the plus strand (T>C on the coding strand, the complement: HERC1 is on the minus strand). VCF-style: chr15-63698788-A-G. GRCh37 (hg19) VCF-style: chr15-63990987-A-G.
Identifiers: ClinVar variation 724430 (VCV000724430.35), dbSNP rs183519177, ClinGen allele CA7605695.
Genomic context (GRCh38, chr15:63,698,788, plus strand): 5'-TTCTGCCCTTAACTGCTGCTGTTCCATTGCAATGATGGAGGCCTGGGGACTTGTAGACAT[A>G]CTTTCCTCTGGCTCTTTAAAACCTGGGGCATTCCCCACATCTCCACTCACAAAGCTTACA-3'
Protein context (NP_003913.3, residues 1605-1625): NAPGFKEPEE[Ser1615=]MSTSPQASII

ClinVar aggregate classification (germline): Benign/Likely benign. Review status: criteria provided, multiple submitters, no conflicts (2 of 4 stars). 4 submissions from 4 submitters: Benign (1); Likely benign (3). Last evaluated 2026-06-17.

Allele frequency attached by ClinVar (database versions not stated): ExAC 0.00061; 1000 Genomes Project 30x 0.00187; 1000 Genomes Project 0.00200; gnomAD 0.00201 and 0.00213; TOPMed 0.00204; ESP Exome Variant Server 0.00268.
gnomAD v4.1: 643 of 1,613,912 alleles (0.04%); highest among the groups gnomAD compares: African/African-American, 0.63%; 1 homozygote.

Submissions (4):

Women's Health and Genetics/Laboratory Corporation of America, LabCorp
Classification: Likely benign. Last evaluated: 2026-06-17. Review status: criteria provided, single submitter. Criteria: LabCorp Variant Classification Summary - May 2015. Collection method: clinical testing. Allele origin: germline.

CeGaT Center for Human Genetics Tuebingen
Classification: Likely benign. Last evaluated: 2026-06-01. Review status: criteria provided, single submitter. Criteria: CeGaT Center For Human Genetics Tuebingen Variant Classification Criteria Version 2. Collection method: clinical testing. Allele origin: germline. Affected: yes. Observed: 3 variant alleles.
Comment: HERC1: BP4, BP7

Labcorp Genetics (formerly Invitae), Labcorp
Classification: Benign. Last evaluated: 2026-01-15. Review status: criteria provided, single submitter. Criteria: Invitae Variant Classification Sherloc (09022015). Collection method: clinical testing. Allele origin: germline.

GeneDx
Classification: Likely benign. Last evaluated: 2021-04-27. Review status: criteria provided, single submitter. Criteria: GeneDx Variant Classification Process June 2021. Collection method: clinical testing. Allele origin: germline. Affected: yes.